The following is an entry in ClinVar:

ClinVar aggregate classification (germline): Conflicting classifications of pathogenicity. Review status: criteria provided, conflicting classifications (1 of 4 stars). 8 submissions from 8 submitters: Uncertain significance (6); Likely benign (2). Last evaluated 2025-11-25.

Conditions:
TTN-related disorder. Also called: TTN-related condition; TTN-related disease; TTN-related disorders.
Dilated cardiomyopathy 1G (CMD1G). Identifiers: Orphanet 154, MedGen C1858763, MONDO:0011400, OMIM 604145.
Autosomal recessive limb-girdle muscular dystrophy type 2J (LGMDR10). Also called: Limb-girdle muscular dystrophy, type 2J; MUSCULAR DYSTROPHY, LIMB-GIRDLE, AUTOSOMAL RECESSIVE 10. Identifiers: Orphanet 140922, MedGen C1837342, MONDO:0012127, OMIM 608807.
Cardiovascular phenotype. Identifiers: MedGen CN230736.

Allele frequency attached by ClinVar (database versions not stated): gnomAD exomes 0.00001; ExAC 0.00003; gnomAD 0.00010 and 0.00011; TOPMed 0.00012; ESP Exome Variant Server 0.00016.
gnomAD v4.1: 23 of 1,613,350 alleles (0.0014%); highest among the groups gnomAD compares: African/African-American, 0.023%; no homozygotes.

Submissions (8):

PreventionGenetics, part of Exact Sciences
Classification: Uncertain significance for TTN-related condition. Last evaluated: 2025-11-25. Review status: criteria provided, single submitter. Criteria: ACMG Guidelines, 2015. Collection method: clinical testing. Allele origin: germline.
Comment: The TTN c.91434A>C variant is predicted to result in the amino acid substitution p.Glu30478Asp. To our knowledge, this variant has not been reported in the literature. This variant is reported in 0.025% of alleles in individuals of African descent in gnomAD. At this time, the clinical significance of this variant is uncertain due to the absence of conclusive functional and genetic evidence.

Women's Health and Genetics/Laboratory Corporation of America, LabCorp
Classification: Uncertain significance. Last evaluated: 2024-09-30. Review status: criteria provided, single submitter. Criteria: LabCorp Variant Classification Summary - May 2015. Collection method: clinical testing. Allele origin: germline.
Comment: Variant summary: TTN c.83730A>C (p.Glu27910Asp) results in a conservative amino acid change located in the A-band of the encoded protein sequence. Two of three in-silico tools predict a benign effect of the variant on protein function. The variant allele was found at a frequency of 1.2e-05 in 248036 control chromosomes (gnomAD). The available data on variant occurrences in the general population are insufficient to allow any conclusion about variant significance. To our knowledge, no occurrence of c.83730A>C in individuals affected with Limb-Girdle Muscular Dystrophy, Type 2J and no experimental evidence demonstrating its impact on protein function have been reported. ClinVar contains an entry for this variant (Variation ID: 196155). Based on the evidence outlined above, the variant was classified as uncertain significance.

Mayo Clinic Laboratories, Mayo Clinic
Classification: Uncertain significance. Last evaluated: 2024-09-03. Review status: criteria provided, single submitter. Criteria: ACMG Guidelines, 2015. Collection method: clinical testing. Allele origin: germline. Observed: 1 variant allele.
Comment: BP4

Athena Diagnostics
Classification: Likely benign. Last evaluated: 2024-04-15. Review status: criteria provided, single submitter. Criteria: Athena Diagnostics Criteria. Collection method: clinical testing. Allele origin: unknown.

GeneDx
Classification: Likely benign. Last evaluated: 2020-05-20. Review status: criteria provided, single submitter. Criteria: GeneDx Variant Classification Process June 2021. Collection method: clinical testing. Allele origin: germline. Affected: yes.

Ambry Genetics
Classification: Uncertain significance for Cardiovascular phenotype. Last evaluated: 2019-06-24. Review status: criteria provided, single submitter. Criteria: Ambry Variant Classification Scheme 2023. Collection method: clinical testing. Allele origin: germline.
Comment: The p.E21413D variant (also known as c.64239A>C), located in coding exon 163 of the TTN gene, results from an A to C substitution at nucleotide position 64239. The glutamic acid at codon 21413 is replaced by aspartic acid, an amino acid with highly similar properties. This amino acid position is highly conserved in available vertebrate species. In addition, this alteration is predicted to be tolerated by in silico analysis. Since supporting evidence is limited at this time, the clinical significance of this alteration remains unclear.

Labcorp Genetics (formerly Invitae), Labcorp
Classification: Uncertain significance for Dilated cardiomyopathy 1G; Autosomal recessive limb-girdle muscular dystrophy type 2J. Last evaluated: 2016-02-15. Review status: criteria provided, single submitter. Criteria: Invitae Variant Classification Sherloc (09022015). Collection method: clinical testing. Allele origin: germline.

Eurofins Ntd Llc (ga)
Classification: Uncertain significance. Last evaluated: 2015-03-31. Review status: criteria provided, single submitter. Criteria: EGL Classification Definitions 2015. Collection method: clinical testing. Allele origin: germline. Observed: 1 variant allele, 1 heterozygote.

NM_001267550.2(TTN):c.91434A>C (p.Glu30478Asp)

Genes: TTN (titin; minus strand), TTN-AS1 (TTN antisense RNA 1; plus strand). Cytogenetic location: 2q31.2.
Variant type: single nucleotide variant.
Coding change: c.91434A>C on transcript NM_001267550.2 (MANE Select); coding-DNA position 91434, A replaced by C.
Protein change: p.Glu30478Asp; replaces glutamic acid 30478 with aspartic acid.
Molecular consequence: missense variant.
Genome position (GRCh38, 1-based): chr2:178,551,097, T>G on the plus strand (A>C on the coding strand, the complement: TTN is on the minus strand). VCF-style: chr2-178551097-T-G. GRCh37 (hg19) VCF-style: chr2-179415824-T-G.
Other names: p.Glu28837Asp; c.91434A>C (NM_001267550.1); c.86511A>C, p.Glu28837Asp (NM_001256850.1); c.64239A>C, p.Glu21413Asp (NM_003319.4); c.83730A>C, p.Glu27910Asp (NM_133378.4); c.64614A>C, p.Glu21538Asp (NM_133432.3); c.64815A>C, p.Glu21605Asp (NM_133437.4); short protein forms E30478D, E27910D, E21413D, E21538D, E28837D, E21605D.
Identifiers: ClinVar variation 196155 (VCV000196155.16), dbSNP rs373900294, ClinGen allele CA243018.